The following is an entry in ClinVar:

ClinVar aggregate classification (germline): Uncertain significance (1 of 4 stars; one submission).

Conditions:
Primary ciliary dyskinesia. Also called: Ciliary dyskinesia. Identifiers: Orphanet 244, MedGen C0008780, MONDO:0016575, HP:0012265.

Allele frequency attached by ClinVar (database versions not stated): gnomAD 0.00001; gnomAD exomes 0.00001 and 0.00002; TOPMed 0.00001; ExAC 0.00002.
gnomAD v4.1: 18 of 1,590,830 alleles (0.0011%); highest among the groups gnomAD compares: Middle Eastern, 0.017%; no homozygotes.

Submission:

Labcorp Genetics (formerly Invitae), Labcorp
Classification: Uncertain significance for Primary ciliary dyskinesia. Last evaluated: 2020-10-30. Review status: criteria provided, single submitter. Criteria: Invitae Variant Classification Sherloc (09022015). Collection method: clinical testing. Allele origin: germline.
Comment: This sequence change replaces arginine with glutamine at codon 1090 of the DNAH8 protein (p.Arg1090Gln). The arginine residue is moderately conserved and there is a small physicochemical difference between arginine and glutamine. In summary, the available evidence is currently insufficient to determine the role of this variant in disease. Therefore, it has been classified as a Variant of Uncertain Significance. Algorithms developed to predict the effect of missense changes on protein structure and function are either unavailable or do not agree on the potential impact of this missense change (SIFT: "Tolerated"; PolyPhen-2: "Not Available"; Align-GVGD: "Class C0"). This variant has been observed in individual(s) with clinical features of primary ciliary dyskinesia (Invitae). This variant is present in population databases (rs774576655, ExAC 0.02%).

NM_001206927.2(DNAH8):c.3269G>A (p.Arg1090Gln)

Gene: DNAH8 (dynein axonemal heavy chain 8; plus strand). Cytogenetic location: 6p21.2.
Variant type: single nucleotide variant.
Coding change: c.3269G>A on transcript NM_001206927.2 (MANE Select); coding-DNA position 3269, G replaced by A.
Protein change: p.Arg1090Gln; replaces arginine 1090 with glutamine.
Molecular consequence: missense variant.
Genome position (GRCh38, 1-based): chr6:38,814,065, G>A. VCF-style: chr6-38814065-G-A. GRCh37 (hg19) VCF-style: chr6-38781841-G-A.
Other names: c.2618G>A, p.Arg873Gln (NM_001371.4); short protein forms R1090Q, R873Q.
Identifiers: ClinVar variation 1480062 (VCV001480062.8), dbSNP rs774576655, ClinGen allele CA3788789.
Genomic context (GRCh38, chr6:38,814,065, plus strand): 5'-ATGAAATTTTAGGGTAAGGTTCATCAGCTAAATGTCCATCTCATTGCAGCCTTTATGGGC[G>A]AAAGCAGTCAGAAGATATTATTTCCTTTATAAAAAGTGAAGTACATCTTGCAATTCCTAA-3'
Protein context (NP_001193856.1, residues 1080-1100): RRIFVASLYG[Arg1090Gln]KQSEDIISFI